The following is an entry in ClinVar:

ClinVar aggregate classification (germline): Uncertain significance. Review status: criteria provided, multiple submitters, no conflicts (2 of 4 stars). 2 submissions from 2 submitters: Uncertain significance (2). Last evaluated 2025-07-02.

Conditions:
Hereditary cancer-predisposing syndrome. Also called: Neoplastic Syndromes, Hereditary; Tumor predisposition; Hereditary Cancer Syndrome; Hereditary neoplastic syndrome. Identifiers: Orphanet 140162, MedGen C0027672, MeSH D009386, MONDO:0015356.
Familial adenomatous polyposis 1 (FAP1). Also called: FAMILIAL ADENOMATOUS POLYPOSIS 1, ATTENUATED; POLYPOSIS, ADENOMATOUS INTESTINAL. Identifiers: MedGen C2713442, MONDO:0021056, OMIM 175100. Disease mechanism: loss of function.

Allele frequency attached by ClinVar (database versions not stated): ExAC 0.00001.

Submissions (2):

Labcorp Genetics (formerly Invitae), Labcorp
Classification: Uncertain significance for Familial adenomatous polyposis 1. Last evaluated: 2025-07-02. Review status: criteria provided, single submitter. Criteria: Invitae Variant Classification Sherloc (09022015). Collection method: clinical testing. Allele origin: germline.
Comment: This sequence change replaces serine, which is neutral and polar, with asparagine, which is neutral and polar, at codon 1206 of the APC protein (p.Ser1206Asn). This variant is present in population databases (rs764729586, gnomAD 0.0009%). This variant has not been reported in the literature in individuals affected with APC-related conditions. ClinVar contains an entry for this variant (Variation ID: 1733278). Invitae Evidence Modeling of protein sequence and biophysical properties (such as structural, functional, and spatial information, amino acid conservation, physicochemical variation, residue mobility, and thermodynamic stability) indicates that this missense variant is not expected to disrupt APC protein function with a negative predictive value of 95%. In summary, the available evidence is currently insufficient to determine the role of this variant in disease. Therefore, it has been classified as a Variant of Uncertain Significance.

Ambry Genetics
Classification: Uncertain significance for Hereditary cancer-predisposing syndrome. Last evaluated: 2021-03-02. Review status: criteria provided, single submitter. Criteria: Ambry Variant Classification Scheme 2023. Collection method: clinical testing. Allele origin: germline.
Comment: The p.S1206N variant (also known as c.3617G>A), located in coding exon 15 of the APC gene, results from a G to A substitution at nucleotide position 3617. The serine at codon 1206 is replaced by asparagine, an amino acid with highly similar properties. This amino acid position is poorly conserved in available vertebrate species. In addition, in silico predictors for this gene do not accurately predict pathogenicity. Since supporting evidence is limited at this time, the clinical significance of this alteration remains unclear.

NM_000038.6(APC):c.3617G>A (p.Ser1206Asn)

Gene: APC (APC regulator of Wnt signaling pathway; plus strand). Cytogenetic location: 5q22.2.
Variant type: single nucleotide variant.
Coding change: c.3617G>A on transcript NM_000038.6 (MANE Select); coding-DNA position 3617, G replaced by A.
Protein change: p.Ser1206Asn; replaces serine 1206 with asparagine.
Molecular consequence: missense variant.
Genome position (GRCh38, 1-based): chr5:112,839,211, G>A. VCF-style: chr5-112839211-G-A. GRCh37 (hg19) VCF-style: chr5-112174908-G-A.
Other names: c.3617G>A, p.Ser1206Asn (NM_001127510.3, NM_001354895.2, NM_001407450.1); c.3563G>A, p.Ser1188Asn (NM_001127511.3); c.3671G>A, p.Ser1224Asn (NM_001354896.2, NM_001407447.1, NM_001407448.1 and 1 more transcripts); c.3647G>A, p.Ser1216Asn (NM_001354897.2); c.3542G>A, p.Ser1181Asn (NM_001354898.2); c.3533G>A, p.Ser1178Asn (NM_001354899.2); c.3494G>A, p.Ser1165Asn (NM_001354900.2); c.3440G>A, p.Ser1147Asn (NM_001354901.2, NM_001407453.1); and 11 more; short protein forms S1080N, S1115N, S1196N, S1234N, S923N, S1077N, S1178N, S1199N.
Identifiers: ClinVar variation 1733278 (VCV001733278.5), dbSNP rs764729586, ClinGen allele CA035898.